The following is an entry in ClinVar:

ClinVar aggregate classification (germline): Uncertain significance (1 of 4 stars; one submission).

Conditions:
Oocyte/zygote/embryo maturation arrest 16. Also called: Preimplantation embryonic lethality 2. Identifiers: MedGen C4310659, MONDO:1010200, OMIM 617234.

Submission:

Juno Genomics, Hangzhou Juno Genomics, Inc
Classification: Uncertain significance for Oocyte/zygote/embryo maturation arrest 16. Review status: criteria provided, single submitter. Criteria: ACMG Guidelines, 2015. Collection method: clinical testing. Allele origin: germline.
Comment: Absent from controls (or at extremely low frequency if recessive) in Genome Aggregation Database.

NM_207421.4(PADI6):c.489C>A (p.Cys163Ter)

Gene: PADI6 (peptidyl arginine deiminase 6; plus strand). Cytogenetic location: 1p36.13.
Variant type: single nucleotide variant.
Coding change: c.489C>A on transcript NM_207421.4 (MANE Select); coding-DNA position 489, C replaced by A.
Protein change: p.Cys163Ter; replaces cysteine 163 with a stop codon.
Molecular consequence: nonsense.
Genome position (GRCh38, 1-based): chr1:17,381,100, C>A. VCF-style: chr1-17381100-C-A. GRCh37 (hg19) VCF-style: chr1-17707595-C-A.
Other names: short protein forms C163*.
Identifiers: ClinVar variation 5005313 (VCV005005313.2).